The following is an entry in ClinVar:

ClinVar aggregate classification (germline): Benign/Likely benign. Review status: criteria provided, multiple submitters, no conflicts (2 of 4 stars). 9 submissions from 9 submitters: Benign (6); Likely benign (1). 2 of the submissions do not count toward it. Last evaluated 2026-02-04.

Conditions:
Primary ciliary dyskinesia. Also called: Ciliary dyskinesia. Identifiers: Orphanet 244, MedGen C0008780, MONDO:0016575, HP:0012265.
Primary ciliary dyskinesia 7. Also called: CILIARY DYSKINESIA, PRIMARY, 7, WITH OR WITHOUT SITUS INVERSUS. Identifiers: Orphanet 244, MedGen C2678473, MONDO:0012748, OMIM 611884.

Allele frequency attached by ClinVar (database versions not stated): 1000 Genomes Project 0.37280; 1000 Genomes Project 30x 0.37601; TOPMed 0.47741; ESP Exome Variant Server 0.53138; gnomAD exomes 0.53316; ExAC 0.53410.
gnomAD v4.1: 962,871 of 1,610,198 alleles (60%); highest among the groups gnomAD compares: Non-Finnish European, 65%; 300,973 homozygotes.

Submissions (9):

Labcorp Genetics (formerly Invitae), Labcorp
Classification: Benign for Primary ciliary dyskinesia. Last evaluated: 2026-02-04. Review status: criteria provided, single submitter. Criteria: Invitae Variant Classification Sherloc (09022015). Collection method: clinical testing. Allele origin: germline.

Blueprint Genetics
Classification: Likely benign. Last evaluated: 2024-11-27. Review status: criteria provided, single submitter. Criteria: ACMG Guidelines, 2015. Collection method: clinical testing. Allele origin: germline.

Mayo Clinic Laboratories, Mayo Clinic
Classification: Benign. Last evaluated: 2022-04-26. Review status: criteria provided, single submitter. Criteria: ACMG Guidelines, 2015. Collection method: clinical testing. Allele origin: germline. Observed: 164 variant alleles.

Genome-Nilou Lab
Classification: Benign for Primary ciliary dyskinesia 7. Last evaluated: 2021-07-30. Review status: criteria provided, single submitter. Criteria: ACMG Guidelines, 2015. Collection method: clinical testing. Allele origin: germline. Affected: no.

GeneDx
Classification: Benign. Last evaluated: 2018-11-10. Review status: criteria provided, single submitter. Criteria: GeneDx Variant Classification Process June 2021. Collection method: clinical testing. Allele origin: germline. Affected: yes.

Laboratory for Molecular Medicine, Mass General Brigham Personalized Medicine
Classification: Benign. Last evaluated: 2013-02-21. Review status: criteria provided, single submitter. Criteria: LMM Criteria. Collection method: clinical testing. Allele origin: germline. Observed: 83 variant alleles.
Comment: Asn2634Ser in exon 48 of DNAH11: This variant is not expected to have clinical s ignificance because it has been identified in 36.6% (3021/8252) of European Amer ican chromosomes from a broad population by the NHLBI Exome Sequencing Project (dbSNP rs9639393).

PreventionGenetics, part of Exact Sciences
Classification: Benign. Review status: criteria provided, single submitter. Criteria: ACMG Guidelines, 2015. Collection method: clinical testing. Allele origin: germline.

Clinical Genetics DNA and cytogenetics Diagnostics Lab, Erasmus MC, Erasmus Medical Center
Classification: Benign. Review status: no assertion criteria provided. Collection method: clinical testing. Allele origin: germline. Affected: yes. Study: VKGL Data-share Consensus. Not counted in ClinVar's aggregate classification.

Diagnostic Laboratory, Department of Genetics, University Medical Center Groningen
Classification: Benign. Review status: no assertion criteria provided. Collection method: clinical testing. Allele origin: germline. Affected: yes. Study: VKGL Data-share Consensus. Not counted in ClinVar's aggregate classification.

NM_001277115.2(DNAH11):c.7901A>G (p.Asn2634Ser)

Gene: DNAH11 (dynein axonemal heavy chain 11; plus strand). Cytogenetic location: 7p15.3.
Variant type: single nucleotide variant.
Coding change: c.7901A>G on transcript NM_001277115.2 (MANE Select); coding-DNA position 7901, A replaced by G.
Protein change: p.Asn2634Ser; replaces asparagine 2634 with serine.
Molecular consequence: missense variant.
Genome position (GRCh38, 1-based): chr7:21,739,660, A>G. VCF-style: chr7-21739660-A-G. GRCh37 (hg19) VCF-style: chr7-21779278-A-G.
Other names: short protein forms N2634S.
Identifiers: ClinVar variation 163113 (VCV000163113.30), dbSNP rs9639393, ClinGen allele CA175735.